The following is an entry in ClinVar:

NM_001270.4(CHD1):c.3571+1G>A

Gene: CHD1 (chromodomain helicase DNA binding protein 1; minus strand). Cytogenetic location: 5q15.
Variant type: single nucleotide variant.
Coding change: c.3571+1G>A on transcript NM_001270.4 (MANE Select); the canonical splice donor site of the intron after coding-DNA position 3571, G replaced by A.
Molecular consequence: splice donor variant.
Genome position (GRCh38, 1-based): chr5:98,873,592, C>T on the plus strand (G>A on the coding strand, the complement: CHD1 is on the minus strand). VCF-style: chr5-98873592-C-T. GRCh37 (hg19) VCF-style: chr5-98209296-C-T.
Other names: c.3571+1G>A (NM_001376194.2, NM_001364113.3).
Identifiers: ClinVar variation 3362083 (VCV003362083.2).

ClinVar aggregate classification (germline): Uncertain significance (1 of 4 stars; one submission).

Submission:

GeneDx
Classification: Uncertain significance. Last evaluated: 2026-01-12. Review status: criteria provided, single submitter. Criteria: GeneDx Variant Classification Process June 2021. Collection method: clinical testing. Allele origin: germline.
Comment: Not observed at significant frequency in large population cohorts (gnomAD); Has not been previously published as pathogenic or benign to our knowledge; Canonical splice site variant in a gene or region of a gene for which loss of function is not a well-established mechanism of disease